The following is an entry in ClinVar:

NM_022166.4(XYLT1):c.2385C>T (p.Tyr795=)

Gene: XYLT1 (xylosyltransferase 1; minus strand). Cytogenetic location: 16p12.3.
Variant type: single nucleotide variant.
Coding change: c.2385C>T on transcript NM_022166.4 (MANE Select); coding-DNA position 2385, C replaced by T.
Protein change: p.Tyr795=; no amino-acid change (tyrosine 795 retained).
Molecular consequence: synonymous variant.
Genome position (GRCh38, 1-based): chr16:17,117,818, G>A on the plus strand (C>T on the coding strand, the complement: XYLT1 is on the minus strand). VCF-style: chr16-17117818-G-A. GRCh37 (hg19) VCF-style: chr16-17211675-G-A.
Identifiers: ClinVar variation 2058337 (VCV002058337.5), dbSNP rs139558627, ClinGen allele CA7927586.

ClinVar aggregate classification (germline): Likely benign. Review status: criteria provided, multiple submitters, no conflicts (2 of 4 stars). 2 submissions from 2 submitters: Likely benign (2). Last evaluated 2026-09-01.

Conditions:
Desbuquois dysplasia 1 (DBQD1). Also called: DESBUQUOIS DYSPLASIA 1, KIM VARIANT; MICROMELIC DWARFISM WITH VERTEBRAL AND METAPHYSEAL ABNORMALITIES AND ADVANCED CARPOTARSAL OSSIFICATION. Identifiers: Orphanet 1425, MedGen C4012146, MONDO:0009629, OMIM 251450.

Allele frequency attached by ClinVar (database versions not stated): ExAC 0.00005; ESP Exome Variant Server 0.00008; gnomAD exomes 0.00009; TOPMed 0.00009; gnomAD 0.00011.
gnomAD v4.1: 145 of 1,614,002 alleles (0.009%); highest among the groups gnomAD compares: African/African-American, 0.013%; no homozygotes.

Submissions (2):

CeGaT Center for Human Genetics Tuebingen
Classification: Likely benign. Last evaluated: 2026-09-01. Review status: criteria provided, single submitter. Criteria: CeGaT Center For Human Genetics Tuebingen Variant Classification Criteria Version 2. Collection method: clinical testing. Allele origin: germline. Affected: yes. Observed: 1 variant allele.
Comment: XYLT1: BP4, BP7

Labcorp Genetics (formerly Invitae), Labcorp
Classification: Likely benign for Desbuquois dysplasia 1. Last evaluated: 2025-05-12. Review status: criteria provided, single submitter. Criteria: Invitae Variant Classification Sherloc (09022015). Collection method: clinical testing. Allele origin: germline.